The following is an entry in ClinVar:

ClinVar aggregate classification (germline): Uncertain significance. Review status: criteria provided, single submitter (1 of 4 stars). 2 submissions from 2 submitters: Uncertain significance (1). 1 of the submissions does not count toward it. Last evaluated 2025-12-03.

Conditions:
IFT52-related disorder. Also called: IFT52-related condition.
Short-rib thoracic dysplasia 16 with or without polydactyly (SRTD16). Identifiers: MedGen C4310718, MONDO:0014915, OMIM 617102.

Allele frequency attached by ClinVar (database versions not stated): gnomAD 0.00001; 1000 Genomes Project 30x 0.00016; 1000 Genomes Project 0.00020.
gnomAD v4.1: 4 of 1,547,228 alleles (0.00026%); highest among the groups gnomAD compares: Middle Eastern, 0.017%; no homozygotes.

Submissions (2):

PreventionGenetics, part of Exact Sciences
Classification: Uncertain significance for IFT52-related condition. Last evaluated: 2025-12-03. Review status: criteria provided, single submitter. Criteria: ACMG Guidelines, 2015. Collection method: clinical testing. Allele origin: germline.
Comment: The IFT52 c.293A>G variant is predicted to result in the amino acid substitution p.Asn98Ser. This variant in the compound heterozygous state along with c.695_699delinsCA, p.Ile232_Met233delinsThr in the same gene, has been reported in two fetuses from one family with short-rib polydactyly syndrome (Dupont et al. 2019. PubMed ID: 31042281). Functional studies have shown this variant impairs protein localization and protein complex assembly resulting in ciliogenesis defects in knock-out cells and does not restore the phenotype in a zebrafish knock-out model (Dupont et al. 2019. PubMed ID: 31042281). This variant is reported in 0.0062% of alleles in individuals of African descent in gnomAD. Although we suspect that this variant may be pathogenic, at this time, the clinical significance of this variant is uncertain due to the absence of conclusive functional and genetic evidence.

OMIM
Classification: Pathogenic for SHORT-RIB THORACIC DYSPLASIA 16 WITH POLYDACTYLY. Last evaluated: 2020-11-04. Review status: no assertion criteria provided. Collection method: literature only. Allele origin: germline. Not counted in ClinVar's aggregate classification.

Literature cited by the submitters: PubMed 31042281 (cited by OMIM).

NM_016004.5(IFT52):c.293A>G (p.Asn98Ser)

Gene: IFT52 (intraflagellar transport 52; plus strand). Cytogenetic location: 20q13.12.
Variant type: single nucleotide variant.
Coding change: c.293A>G on transcript NM_016004.5 (MANE Select); coding-DNA position 293, A replaced by G.
Protein change: p.Asn98Ser; replaces asparagine 98 with serine.
Molecular consequence: missense variant. On other transcripts: 5 prime UTR variant (4).
Genome position (GRCh38, 1-based): chr20:43,603,845, A>G. VCF-style: chr20-43603845-A-G. GRCh37 (hg19) VCF-style: chr20-42232485-A-G.
Other names: c.293A>G (NM_001303458.2); c.293A>G, p.Asn98Ser (NM_001303458.3, NM_001303459.3); c.-379A>G (NM_001323578.2, NM_001323580.2); c.-472A>G (NM_001323579.2, NM_001323581.2); short protein forms N98S.
Identifiers: ClinVar variation 983489 (VCV000983489.4), dbSNP rs530999984, ClinGen allele CA9866817.
Genomic context (GRCh38, chr20:43,603,845, plus strand): 5'-ACACTGGTGGAGATGTCTTTGTGATGCTAGGAGAAGGTGGAGAATCCAGATTTGACACCA[A>G]TATTAACTTTTTACTAGAAGAATATGGAATCATGGTTAATAATGGTAATTAGTATTATTA-3'
Protein context (NP_057088.2, residues 88-108): GEGGESRFDT[Asn98Ser]INFLLEEYGI